The following is an entry in ClinVar:

ClinVar aggregate classification (germline): Uncertain significance (1 of 4 stars; one submission).

Conditions:
Arrhythmogenic right ventricular dysplasia 13. Also called: ARRHYTHMOGENIC RIGHT VENTRICULAR CARDIOMYOPATHY 13; Arrhythmogenic right ventricular dysplasia, familial, 13. Identifiers: MedGen C3810138, MONDO:0000908, OMIM 615616.

Submission:

Labcorp Genetics (formerly Invitae), Labcorp
Classification: Uncertain significance for Arrhythmogenic right ventricular dysplasia 13. Last evaluated: 2021-06-06. Review status: criteria provided, single submitter. Criteria: Invitae Variant Classification Sherloc (09022015). Collection method: clinical testing. Allele origin: germline.
Comment: In summary, the available evidence is currently insufficient to determine the role of this variant in disease. Therefore, it has been classified as a Variant of Uncertain Significance. Algorithms developed to predict the effect of missense changes on protein structure and function are either unavailable or do not agree on the potential impact of this missense change (SIFT: "Deleterious"; PolyPhen-2: "Benign"; Align-GVGD: "Class C0"). This sequence change replaces alanine with glycine at codon 449 of the CTNNA3 protein (p.Ala449Gly). The alanine residue is moderately conserved and there is a small physicochemical difference between alanine and glycine. This variant has not been reported in the literature in individuals with CTNNA3-related conditions. This variant is not present in population databases (ExAC no frequency).

NM_013266.4(CTNNA3):c.1346C>G (p.Ala449Gly)

Gene: CTNNA3 (catenin alpha 3; minus strand). Cytogenetic location: 10q21.3.
Variant type: single nucleotide variant.
Coding change: c.1346C>G on transcript NM_013266.4 (MANE Select); coding-DNA position 1346, C replaced by G.
Protein change: p.Ala449Gly; replaces alanine 449 with glycine.
Molecular consequence: missense variant.
Genome position (GRCh38, 1-based): chr10:66,621,720, G>C on the plus strand (C>G on the coding strand, the complement: CTNNA3 is on the minus strand). VCF-style: chr10-66621720-G-C. GRCh37 (hg19) VCF-style: chr10-68381478-G-C.
Other names: c.1346C>G, p.Ala449Gly (NM_001127384.3); short protein forms A449G.
Identifiers: ClinVar variation 1399693 (VCV001399693.8), dbSNP rs2132317654, ClinGen allele CA377091610.
Genomic context (GRCh38, chr10:66,621,720, plus strand): 5'-TTTACACACAAAAAGTAACTTAGTTGTCATACCTGTGGACACAAGGTTTCCAAATGATTG[G>C]CTGCAATTTTGACAATTTTAATTCCATCTTCATTTGTTGACATGGAACAAGCAAGATTTG-3'
Protein context (NP_037398.2, residues 439-459): EDGIKIVKIA[Ala449Gly]NHLETLCPQI